The following is an entry in ClinVar:

ClinVar aggregate classification (germline): Pathogenic/Likely pathogenic. Review status: criteria provided, multiple submitters, no conflicts (2 of 4 stars). 4 submissions from 4 submitters: Pathogenic (1); Likely pathogenic (3). Last evaluated 2025-07-03.

Conditions:
Mucopolysaccharidosis type 6 (MPS6). Also called: N-ACETYLGALACTOSAMINE-4-SULFATASE DEFICIENCY; MPS VI; MPS 6; Maroteaux Lamy syndrome; ARSB DEFICIENCY; ARYLSULFATASE B DEFICIENCY. Identifiers: Orphanet 583, MedGen C0026709, MONDO:0009661, OMIM 253200.

Allele frequency attached by ClinVar (database versions not stated): gnomAD exomes below 0.00001; TOPMed below 0.00001.
gnomAD v4.1: 1 of 1,614,106 alleles (0.000062%); highest among the groups gnomAD compares: East Asian, 0.0022%; no homozygotes.

Submissions (4):

Women's Health and Genetics/Laboratory Corporation of America, LabCorp
Classification: Likely pathogenic for Mucopolysaccharidosis type 6. Last evaluated: 2025-07-03. Review status: criteria provided, single submitter. Criteria: LabCorp Variant Classification Summary - May 2015. Collection method: clinical testing. Allele origin: germline.
Comment: Variant summary: ARSB c.908G>A (p.Gly303Glu) results in a non-conservative amino acid change in the encoded protein sequence. Algorithms developed to predict the effect of missense changes on protein structure and function all suggest that this variant is likely to be disruptive. The variant was absent in 250912 control chromosomes (gnomAD). c.908G>A has been observed in individuals affected with Mucopolysaccharidosis Type VI (Maroteaux-Lamy Syndrome) (Lin_2008, Ferla_2015, Zheng_2014). These data indicate that the variant is likely to be associated with disease. To our knowledge, no experimental evidence demonstrating an impact on protein function has been reported. The following publications have been ascertained in the context of this evaluation (PMID: 18486607, 25654180, 30118150, 36077388, 25190157). ClinVar contains an entry for this variant (Variation ID: 559823). Based on the evidence outlined above, the variant was classified as likely pathogenic.

Labcorp Genetics (formerly Invitae), Labcorp
Classification: Pathogenic for Mucopolysaccharidosis type 6. Last evaluated: 2023-09-10. Review status: criteria provided, single submitter. Criteria: Invitae Variant Classification Sherloc (09022015). Collection method: clinical testing. Allele origin: germline.
Comment: For these reasons, this variant has been classified as Pathogenic. Advanced modeling of protein sequence and biophysical properties (such as structural, functional, and spatial information, amino acid conservation, physicochemical variation, residue mobility, and thermodynamic stability) performed at Invitae indicates that this missense variant is expected to disrupt ARSB protein function. ClinVar contains an entry for this variant (Variation ID: 559823). This missense change has been observed in individuals with mucopolysaccharidosis type VI (PMID: 18486607, 25190157, 25654180). This variant is not present in population databases (gnomAD no frequency). This sequence change replaces glycine, which is neutral and non-polar, with glutamic acid, which is acidic and polar, at codon 303 of the ARSB protein (p.Gly303Glu).

Baylor Genetics
Classification: Likely pathogenic for Mucopolysaccharidosis type 6. Last evaluated: 2023-06-22. Review status: criteria provided, single submitter. Criteria: ACMG Guidelines, 2015. Collection method: clinical testing. Allele origin: unknown.

Laboratory of Diagnosis and Therapy of Lysosomal Disorders, University of Padova
Classification: Likely pathogenic for Mucopolysaccharidosis type 6. Last evaluated: 2018-01-01. Review status: criteria provided, single submitter. Criteria: ACMG Guidelines, 2015. Collection method: curation. Allele origin: germline. Affected: yes.
Comment: In vitro functional studies supportive of a damaging effect on the gene product (low to no ARSB activity in homozygotes; PS3); Absent from GnomAD (PM2)

Literature cited by the submitters: PubMed 18486607 (cited by Women's Health and Genetics/Laboratory Corporation of America, LabCorp and Labcorp Genetics (formerly Invitae), Labcorp); PubMed 30118150 (cited by Women's Health and Genetics/Laboratory Corporation of America, LabCorp and Laboratory of Diagnosis and Therapy of Lysosomal Disorders, University of Padova); PubMed 25654180 (cited by 3 submitters); PubMed 36077388 (cited by Women's Health and Genetics/Laboratory Corporation of America, LabCorp); PubMed 25190157 (cited by 3 submitters); PubMed 24053568 (cited by Laboratory of Diagnosis and Therapy of Lysosomal Disorders, University of Padova).

NM_000046.5(ARSB):c.908G>A (p.Gly303Glu)

Gene: ARSB (arylsulfatase B; minus strand). Cytogenetic location: 5q14.1.
Variant type: single nucleotide variant.
Coding change: c.908G>A on transcript NM_000046.5 (MANE Select); coding-DNA position 908, G replaced by A.
Protein change: p.Gly303Glu; replaces glycine 303 with glutamic acid.
Molecular consequence: missense variant.
Genome position (GRCh38, 1-based): chr5:78,885,818, C>T on the plus strand (G>A on the coding strand, the complement: ARSB is on the minus strand). VCF-style: chr5-78885818-C-T. GRCh37 (hg19) VCF-style: chr5-78181641-C-T.
Other names: c.908G>A, p.Gly303Glu (NM_198709.3); short protein forms G303E.
Identifiers: ClinVar variation 559823 (VCV000559823.12), dbSNP rs1408739927, ClinGen allele CA360343537.